The following is an entry in ClinVar:

ClinVar aggregate classification (germline): Uncertain significance (1 of 4 stars; one submission).

Submission:

GeneDx
Classification: Uncertain significance. Last evaluated: 2021-04-01. Review status: criteria provided, single submitter. Criteria: GeneDx Variant Classification Process June 2021. Collection method: clinical testing. Allele origin: germline. Affected: yes.
Comment: Not observed in large population cohorts (Lek et al., 2016); In silico analysis supports that this missense variant does not alter protein structure/function; Has not been previously published as pathogenic or benign to our knowledge

NM_001384732.1(CPLANE1):c.6980C>T (p.Thr2327Ile)

Gene: CPLANE1 (ciliogenesis and planar polarity effector complex subunit 1; minus strand). Cytogenetic location: 5p13.2.
Variant type: single nucleotide variant.
Coding change: c.6980C>T on transcript NM_001384732.1 (MANE Select); coding-DNA position 6980, C replaced by T.
Protein change: p.Thr2327Ile; replaces threonine 2327 with isoleucine.
Molecular consequence: missense variant.
Genome position (GRCh38, 1-based): chr5:37,169,044, G>A on the plus strand (C>T on the coding strand, the complement: CPLANE1 is on the minus strand). VCF-style: chr5-37169044-G-A. GRCh37 (hg19) VCF-style: chr5-37169146-G-A.
Other names: c.6980C>T, p.Thr2327Ile (NM_023073.4); short protein forms T2327I.
Identifiers: ClinVar variation 1314427 (VCV001314427.2), dbSNP rs2150933735, ClinGen allele CA359478861.
Genomic context (GRCh38, chr5:37,169,044, plus strand): 5'-CCTGGCTTAACATCAAATAGTTTTTCTGGTTTTATAAACACTGAAGAGTCCTGTTGAGGT[G>A]TCAAATTTTCTTGTCCAACATATTGATCCAAGTTCACATGATTAGGAATTTCTGTAATTA-3'
Protein context (NP_001371661.1, residues 2317-2337): LDQYVGQENL[Thr2327Ile]PQQDSSVFIK